The following is an entry in ClinVar:

NM_198253.3(TERT):c.1537A>G (p.Ser513Gly)

Gene: TERT (telomerase reverse transcriptase; minus strand). Cytogenetic location: 5p15.33.
Variant type: single nucleotide variant.
Coding change: c.1537A>G on transcript NM_198253.3 (MANE Select); coding-DNA position 1537, A replaced by G.
Protein change: p.Ser513Gly; replaces serine 513 with glycine.
Molecular consequence: missense variant. On other transcripts: non-coding transcript variant (2).
Genome position (GRCh38, 1-based): chr5:1,293,349, T>C on the plus strand (A>G on the coding strand, the complement: TERT is on the minus strand). VCF-style: chr5-1293349-T-C. GRCh37 (hg19) VCF-style: chr5-1293464-T-C.
Other names: c.1537A>G, p.Ser513Gly (NM_001193376.3); short protein forms S513G.
Identifiers: ClinVar variation 4561768 (VCV004561768.1).
Genomic context (GRCh38, chr5:1,293,349, plus strand): 5'-CCTCGACGGCCACCACCTCCTCACCTGGGCTCCTGCGCAGCCAAGCGCAGTCCCGCACGC[T>C]CATCTTCCACGTCAGCTCCTGCAGCGAGAGCTTGGCATGCTTCCCCAGGGAGATGAACTT-3'
Protein context (NP_937983.2, residues 503-523): LSLQELTWKM[Ser513Gly]VRDCAWLRRS

ClinVar aggregate classification (germline): Uncertain significance (1 of 4 stars; one submission).

Conditions:
Dyskeratosis congenita. Identifiers: Orphanet 1775, MedGen C0265965, MONDO:0015780.

Submission:

Ambry Genetics
Classification: Uncertain significance for Dyskeratosis congenita. Last evaluated: 2025-11-02. Review status: criteria provided, single submitter. Criteria: Ambry Variant Classification Scheme 2023. Collection method: clinical testing. Allele origin: germline.
Comment: The p.S513G variant (also known as c.1537A>G), located in coding exon 2 of the TERT gene, results from an A to G substitution at nucleotide position 1537. The serine at codon 513 is replaced by glycine, an amino acid with similar properties. This amino acid position is conserved. In addition, this alteration is predicted to be tolerated by in silico analysis. Based on the available evidence, the clinical significance of this variant remains unclear.